The following is an entry in ClinVar:

ClinVar aggregate classification (germline): Pathogenic (1 of 4 stars; one submission).

Conditions:
Tatton-Brown-Rahman overgrowth syndrome. Also called: Tall stature-intellectual disability-facial dysmorphism syndrome; Tatton-Brown-Rahman syndrome. Identifiers: Orphanet 404443, MedGen C4014545, MONDO:0014382, OMIM 615879.

Submission:

Labcorp Genetics (formerly Invitae), Labcorp
Classification: Pathogenic for Tatton-Brown-Rahman overgrowth syndrome. Last evaluated: 2021-12-26. Review status: criteria provided, single submitter. Criteria: Invitae Variant Classification Sherloc (09022015). Collection method: clinical testing. Allele origin: germline.
Comment: For these reasons, this variant has been classified as Pathogenic. This variant has not been reported in the literature in individuals affected with DNMT3A-related conditions. This variant is a gross deletion of the genomic region encompassing exon(s) 5-6 of the DNMT3A gene. This deletion is out-of-frame, and is expected to create a premature termination codon and result in an absent or disrupted protein product. Loss-of-function variants in DNMT3A are known to be pathogenic (PMID: 24614070).

Literature cited by the submitters: PubMed 24614070.

NC_000002.11:g.(?_25497790)_(25498432_?)del

Gene: DNMT3A (DNA methyltransferase 3 alpha; minus strand). Cytogenetic location: 2p23.3.
Variant type: Deletion.
Identifiers: ClinVar variation 2427539 (VCV002427539.5).